The following is an entry in ClinVar:

ClinVar aggregate classification (germline): Uncertain significance (1 of 4 stars; one submission).

Allele frequency attached by ClinVar (database versions not stated): TOPMed below 0.00001; gnomAD 0.00001.
gnomAD v4.1: 1 of 1,614,086 alleles (0.000062%); highest among the groups gnomAD compares: Admixed American, 0.0017%; no homozygotes.

Submission:

Labcorp Genetics (formerly Invitae), Labcorp
Classification: Uncertain significance. Last evaluated: 2024-08-06. Review status: criteria provided, single submitter. Criteria: Invitae Variant Classification Sherloc (09022015). Collection method: clinical testing. Allele origin: germline.
Comment: This sequence change replaces aspartic acid, which is acidic and polar, with asparagine, which is neutral and polar, at codon 628 of the FAT4 protein (p.Asp628Asn). This variant is not present in population databases (gnomAD no frequency). This variant has not been reported in the literature in individuals affected with FAT4-related conditions. ClinVar contains an entry for this variant (Variation ID: 1354598). Advanced modeling of protein sequence and biophysical properties (such as structural, functional, and spatial information, amino acid conservation, physicochemical variation, residue mobility, and thermodynamic stability) performed at Invitae indicates that this missense variant is not expected to disrupt FAT4 protein function with a negative predictive value of 80%. In summary, the available evidence is currently insufficient to determine the role of this variant in disease. Therefore, it has been classified as a Variant of Uncertain Significance.

NM_001291303.3(FAT4):c.1882G>A (p.Asp628Asn)

Gene: FAT4 (FAT atypical cadherin 4; plus strand). Cytogenetic location: 4q28.1.
Variant type: single nucleotide variant.
Coding change: c.1882G>A on transcript NM_001291303.3 (MANE Select); coding-DNA position 1882, G replaced by A.
Protein change: p.Asp628Asn; replaces aspartic acid 628 with asparagine.
Molecular consequence: missense variant.
Genome position (GRCh38, 1-based): chr4:125,318,293, G>A. VCF-style: chr4-125318293-G-A. GRCh37 (hg19) VCF-style: chr4-126239448-G-A.
Other names: c.1882G>A, p.Asp628Asn (NM_001291285.3, NM_024582.6); short protein forms D628N.
Identifiers: ClinVar variation 1354598 (VCV001354598.7), dbSNP rs1730736994, ClinGen allele CA358118948.